The following is an entry in ClinVar:

GRCh38/hg38 4p16.3-15.2(chr4:85149-22450018)x3

Genes: ABLIM2 (actin binding LIM protein family member 2; minus strand), ACOX3 (acyl-CoA oxidase 3, pristanoyl; minus strand), ADD1 (adducin 1; plus strand), ADGRA3 (adhesion G protein-coupled receptor A3; minus strand), ADRA2C (adrenoceptor alpha 2C; plus strand) and 727 more. Cytogenetic location: 4p16.3-15.2.
Variant type: copy number gain.
Change: copy number 3 (three copies instead of two) of chr4:85,149-22,450,018 (22.36 Mb, GRCh38 coordinates, 1-based), cytogenetic band 4p16.3-15.2.
Identifiers: ClinVar variation 58013 (VCV000058013.2).

ClinVar aggregate classification (germline): Pathogenic (1 of 4 stars; one submission).

Submission:

ISCA Site 6
Classification: Pathogenic. Last evaluated: 2011-08-12. Review status: criteria provided, single submitter. Criteria: Kaminsky et al. (Genet Med. 2011). Collection method: clinical testing. Allele origin: de novo. Affected: yes. Observed: 1 variant allele.
Comment: Copy number variation identified through the course of routine clinical cytogenomic testing in postnatal populations. Clinical assertions have been curated as described in Kaminsky et al. 2011.